The following is an entry in ClinVar:

NM_139276.3(STAT3):c.1233+20C>T

Gene: STAT3 (signal transducer and activator of transcription 3; minus strand). Cytogenetic location: 17q21.2.
Variant type: single nucleotide variant.
Coding change: c.1233+20C>T on transcript NM_139276.3 (MANE Select); 20 bases into the intron after coding-DNA position 1233, C replaced by T.
Molecular consequence: intron variant.
Genome position (GRCh38, 1-based): chr17:42,329,534, G>A on the plus strand (C>T on the coding strand, the complement: STAT3 is on the minus strand). VCF-style: chr17-42329534-G-A. GRCh37 (hg19) VCF-style: chr17-40481552-G-A.
Other names: c.1137+20C>T (NM_001384989.1); c.1173+20C>T (NM_001384992.1); c.1233+20C>T (NM_001384984.1, NM_001369519.1, NM_003150.4 and 12 more transcripts); c.1155+20C>T (NM_001384985.1); c.1248+20C>T (NM_001384986.1, NM_001384990.1).
Identifiers: ClinVar variation 515979 (VCV000515979.4), dbSNP rs761232183, ClinGen allele CA8575406.

ClinVar aggregate classification (germline): Likely benign. Review status: criteria provided, multiple submitters, no conflicts (2 of 4 stars). 2 submissions from 2 submitters: Likely benign (2). Last evaluated 2023-12-11.

Conditions:
Hyper-IgE recurrent infection syndrome 1, autosomal dominant. Also called: JOB SYNDROME; Hyper-IgE recurrent infection syndrome 1; HYPER-IgE SYNDROME 1, AUTOSOMAL DOMINANT, WITH RECURRENT INFECTIONS; STAT3 Hyper IgE Syndrome; Job's Syndrome. Identifiers: Orphanet 2314, MedGen C2936739, MONDO:0007818, OMIM 147060.
STAT3 gain of function. Identifiers: MedGen C4288261.

Allele frequency attached by ClinVar (database versions not stated): gnomAD below 0.00001 and 0.00001; TOPMed below 0.00001; ExAC 0.00002; gnomAD exomes 0.00002.
gnomAD v4.1: 36 of 1,614,018 alleles (0.0022%); highest among the groups gnomAD compares: South Asian, 0.035%; no homozygotes.

Submissions (2):

Labcorp Genetics (formerly Invitae), Labcorp
Classification: Likely benign for STAT3 gain of function; Hyper-IgE recurrent infection syndrome 1, autosomal dominant. Last evaluated: 2023-12-11. Review status: criteria provided, single submitter. Criteria: Invitae Variant Classification Sherloc (09022015). Collection method: clinical testing. Allele origin: germline.

GeneDx
Classification: Likely benign. Last evaluated: 2018-03-05. Review status: criteria provided, single submitter. Criteria: GeneDx Variant Classification (06012015). Collection method: clinical testing. Allele origin: germline. Affected: yes.
Comment: This variant is considered likely benign or benign based on one or more of the following criteria: it is a conservative change, it occurs at a poorly conserved position in the protein, it is predicted to be benign by multiple in silico algorithms, and/or has population frequency not consistent with disease.